The following is an entry in ClinVar:

ClinVar aggregate classification (germline): Conflicting classifications of pathogenicity. Review status: criteria provided, conflicting classifications (1 of 4 stars). 7 submissions from 7 submitters: Uncertain significance (2); Likely benign (4). 1 of the submissions does not count toward it. Last evaluated 2026-01-28.

Conditions:
Methylmalonic acidemia with homocystinuria, type cblJ (MAHCJ). Also called: METHYLMALONIC ACIDURIA AND HOMOCYSTINURIA, cblJ TYPE. Identifiers: Orphanet 369955, MedGen C3553915, MONDO:0013925, OMIM 614857.
ABCD4-related disorder. Also called: ABCD4-related condition.

Allele frequency attached by ClinVar (database versions not stated): ESP Exome Variant Server 0.00115; 1000 Genomes Project 0.00140; gnomAD exomes 0.00155; gnomAD 0.00163; ExAC 0.00168; TOPMed 0.00171; 1000 Genomes Project 30x 0.00172.
gnomAD v4.1: 3,087 of 1,614,138 alleles (0.19%); highest among the groups gnomAD compares: Middle Eastern, 0.68%; 11 homozygotes.

Submissions (7):

Labcorp Genetics (formerly Invitae), Labcorp
Classification: Likely benign for Methylmalonic acidemia with homocystinuria, type cblJ. Last evaluated: 2026-01-28. Review status: criteria provided, single submitter. Criteria: Invitae Variant Classification Sherloc (09022015). Collection method: clinical testing. Allele origin: germline.

CeGaT Center for Human Genetics Tuebingen
Classification: Likely benign. Last evaluated: 2023-08-01. Review status: criteria provided, single submitter. Criteria: CeGaT Center For Human Genetics Tuebingen Variant Classification Criteria Version 2. Collection method: clinical testing. Allele origin: germline. Affected: yes. Observed: 2 variant alleles.
Comment: ABCD4: PP3, BS2

Mayo Clinic Laboratories, Mayo Clinic
Classification: Uncertain significance. Last evaluated: 2023-01-06. Review status: criteria provided, single submitter. Criteria: ACMG Guidelines, 2015. Collection method: clinical testing. Allele origin: germline. Observed: 2 variant alleles.
Comment: BS1, PP3

GeneDx
Classification: Likely benign. Last evaluated: 2020-10-29. Review status: criteria provided, single submitter. Criteria: GeneDx Variant Classification Process June 2021. Collection method: clinical testing. Allele origin: germline. Affected: yes.
Comment: Has not been previously published as pathogenic or benign to our knowledge; In silico analysis supports that this missense variant has a deleterious effect on protein structure/function; This variant is associated with the following publications: (PMID: 20849526)

Mendelics
Classification: Likely benign for Methylmalonic acidemia with homocystinuria, type cblJ. Last evaluated: 2019-05-28. Review status: criteria provided, single submitter. Criteria: Mendelics Assertion Criteria 2017. Collection method: clinical testing. Allele origin: unknown.

Fulgent Genetics
Classification: Uncertain significance for Methylmalonic acidemia with homocystinuria, type cblJ. Last evaluated: 2018-10-31. Review status: criteria provided, single submitter. Criteria: ACMG Guidelines, 2015. Collection method: clinical testing. Allele origin: unknown.

PreventionGenetics, part of Exact Sciences
Classification: Likely benign for ABCD4-related condition. Last evaluated: 2024-07-09. Review status: no assertion criteria provided. Collection method: clinical testing. Allele origin: germline. Not counted in ClinVar's aggregate classification.
Comment: This variant is classified as likely benign based on ACMG/AMP sequence variant interpretation guidelines (Richards et al. 2015 PMID: 25741868, with internal and published modifications).

NM_005050.4(ABCD4):c.1411C>T (p.Arg471Trp)

Gene: ABCD4 (ATP binding cassette subfamily D member 4; minus strand). Cytogenetic location: 14q24.3.
Variant type: single nucleotide variant.
Coding change: c.1411C>T on transcript NM_005050.4 (MANE Select); coding-DNA position 1411, C replaced by T.
Protein change: p.Arg471Trp; replaces arginine 471 with tryptophan.
Molecular consequence: missense variant. On other transcripts: non-coding transcript variant (1).
Genome position (GRCh38, 1-based): chr14:74,290,035, G>A on the plus strand (C>T on the coding strand, the complement: ABCD4 is on the minus strand). VCF-style: chr14-74290035-G-A. GRCh37 (hg19) VCF-style: chr14-74756738-G-A.
Other names: p.Arg471Trp; c.1411C>T, p.Arg471Trp (NM_020325.3); c.1285C>T, p.Arg429Trp (NM_001353591.2, NM_001353592.2); c.1150C>T, p.Arg384Trp (NM_001353593.2); c.1099C>T, p.Arg367Trp (NM_001353594.2); c.997C>T, p.Arg333Trp (NM_001353595.2, NM_001353596.2); c.946C>T, p.Arg316Trp (NM_001353597.2); c.934C>T, p.Arg312Trp (NM_001353598.2, NM_001353599.2, NM_001353600.2 and 2 more transcripts); and 1 more; short protein forms R471W, R367W, R208W, R312W, R316W, R333W, R384W, R429W.
Identifiers: ClinVar variation 381876 (VCV000381876.55), dbSNP rs45568335, ClinGen allele CA7266821.